The following is an entry in ClinVar:

NM_022455.5(NSD1):c.5075A>G (p.His1692Arg)

Gene: NSD1 (nuclear receptor binding SET domain protein 1; plus strand). Cytogenetic location: 5q35.3.
Variant type: single nucleotide variant.
Coding change: c.5075A>G on transcript NM_022455.5 (MANE Select); coding-DNA position 5075, A replaced by G.
Protein change: p.His1692Arg; replaces histidine 1692 with arginine.
Molecular consequence: missense variant.
Genome position (GRCh38, 1-based): chr5:177,260,097, A>G. VCF-style: chr5-177260097-A-G. GRCh37 (hg19) VCF-style: chr5-176687098-A-G.
Other names: c.4202A>G, p.His1401Arg (NM_001365684.2, NM_001409308.1, NM_001409309.1 and 1 more transcripts); c.5075A>G, p.His1692Arg (NM_001409301.1, NM_001409302.1, NM_001409303.1); c.4655A>G, p.His1552Arg (NM_001409304.1); c.4322A>G, p.His1441Arg (NM_001409305.1); c.4313A>G, p.His1438Arg (NM_001409306.1, NM_001409307.1); short protein forms H1401R, H1438R, H1441R, H1552R, H1692R.
Identifiers: ClinVar variation 4799106 (VCV004799106.1).

ClinVar aggregate classification (germline): Pathogenic (1 of 4 stars; one submission).

Submission:

Labcorp Genetics (formerly Invitae), Labcorp
Classification: Pathogenic. Last evaluated: 2025-05-06. Review status: criteria provided, single submitter. Criteria: Invitae Variant Classification Sherloc (09022015). Collection method: clinical testing. Allele origin: germline.
Comment: This sequence change replaces histidine, which is basic and polar, with arginine, which is basic and polar, at codon 1692 of the NSD1 protein (p.His1692Arg). This variant is not present in population databases (gnomAD no frequency). This missense change has been observed in individual(s) with NSD1-related conditions (internal data). In at least one individual the variant was observed to be de novo. Invitae Evidence Modeling of protein sequence and biophysical properties (such as structural, functional, and spatial information, amino acid conservation, physicochemical variation, residue mobility, and thermodynamic stability) indicates that this missense variant is expected to disrupt NSD1 protein function with a positive predictive value of 95%. For these reasons, this variant has been classified as Pathogenic.